The following is an entry in ClinVar:

ClinVar aggregate classification (germline): Uncertain significance (1 of 4 stars; one submission).

Conditions:
Perlman syndrome (PRLMNS). Identifiers: Orphanet 2849, MedGen C0796113, MONDO:0009965, OMIM 267000.

Submission:

Labcorp Genetics (formerly Invitae), Labcorp
Classification: Uncertain significance for Perlman syndrome. Last evaluated: 2024-03-02. Review status: criteria provided, single submitter. Criteria: Invitae Variant Classification Sherloc (09022015). Collection method: clinical testing. Allele origin: germline.
Comment: This sequence change replaces glutamic acid, which is acidic and polar, with lysine, which is basic and polar, at codon 878 of the DIS3L2 protein (p.Glu878Lys). This variant is not present in population databases (gnomAD no frequency). This variant has not been reported in the literature in individuals affected with DIS3L2-related conditions. Algorithms developed to predict the effect of missense changes on protein structure and function output the following: SIFT: "Not Available"; PolyPhen-2: "Not Available"; Align-GVGD: "Not Available". The lysine amino acid residue is found in multiple mammalian species, which suggests that this missense change does not adversely affect protein function. In summary, the available evidence is currently insufficient to determine the role of this variant in disease. Therefore, it has been classified as a Variant of Uncertain Significance.

NM_152383.5(DIS3L2):c.2632G>A (p.Glu878Lys)

Gene: DIS3L2 (DIS3 like 3'-5' exoribonuclease 2; plus strand). Cytogenetic location: 2q37.1.
Variant type: single nucleotide variant.
Coding change: c.2632G>A on transcript NM_152383.5 (MANE Select); coding-DNA position 2632, G replaced by A.
Protein change: p.Glu878Lys; replaces glutamic acid 878 with lysine.
Molecular consequence: missense variant. On other transcripts: non-coding transcript variant (2), intron variant (1).
Genome position (GRCh38, 1-based): chr2:232,336,604, G>A. VCF-style: chr2-232336604-G-A. GRCh37 (hg19) VCF-style: chr2-233201314-G-A.
Other names: c.1582-6741G>A (NM_001257281.2); short protein forms E878K.
Identifiers: ClinVar variation 2717002 (VCV002717002.3), dbSNP rs2469455805, ClinGen allele CA350979107.